The following is an entry in ClinVar:

ClinVar aggregate classification (germline): Likely pathogenic (1 of 4 stars; one submission).

Conditions:
Autosomal dominant nonsyndromic hearing loss 20. Identifiers: Orphanet 90635, MedGen C1858172, MONDO:0011480, OMIM 604717.
Baraitser-winter syndrome 2. Identifiers: Orphanet 2995, MedGen C3281235, MONDO:0013812, OMIM 614583.

Submission:

Labcorp Genetics (formerly Invitae), Labcorp
Classification: Likely pathogenic for Baraitser-winter syndrome 2; Autosomal dominant nonsyndromic hearing loss 20. Last evaluated: 2024-06-14. Review status: criteria provided, single submitter. Criteria: Invitae Variant Classification Sherloc (09022015). Collection method: clinical testing. Allele origin: germline.
Comment: This sequence change replaces threonine, which is neutral and polar, with alanine, which is neutral and non-polar, at codon 148 of the ACTG1 protein (p.Thr148Ala). This variant is not present in population databases (gnomAD no frequency). This missense change has been observed in individual(s) with deafness (Invitae). In at least one individual the variant was observed to be de novo. Advanced modeling of protein sequence and biophysical properties (such as structural, functional, and spatial information, amino acid conservation, physicochemical variation, residue mobility, and thermodynamic stability) performed at Invitae indicates that this missense variant is not expected to disrupt ACTG1 protein function with a negative predictive value of 80%. In summary, the currently available evidence indicates that the variant is pathogenic, but additional data are needed to prove that conclusively. Therefore, this variant has been classified as Likely Pathogenic.

NM_001614.5(ACTG1):c.442A>G (p.Thr148Ala)

Gene: ACTG1 (actin gamma 1; minus strand). Cytogenetic location: 17q25.3.
Variant type: single nucleotide variant.
Coding change: c.442A>G on transcript NM_001614.5 (MANE Select); coding-DNA position 442, A replaced by G.
Protein change: p.Thr148Ala; replaces threonine 148 with alanine.
Molecular consequence: missense variant. On other transcripts: non-coding transcript variant (1).
Genome position (GRCh38, 1-based): chr17:81,511,548, T>C on the plus strand (A>G on the coding strand, the complement: ACTG1 is on the minus strand). VCF-style: chr17-81511548-T-C. GRCh37 (hg19) VCF-style: chr17-79478574-T-C.
Other names: c.442A>G, p.Thr148Ala (NM_001199954.3); short protein forms T148A.
Identifiers: ClinVar variation 3751495 (VCV003751495.2).